The following is an entry in ClinVar:

NM_001457.4(FLNB):c.4753A>G (p.Thr1585Ala)

Gene: FLNB (filamin B; plus strand). Cytogenetic location: 3p14.3.
Variant type: single nucleotide variant.
Coding change: c.4753A>G on transcript NM_001457.4 (MANE Select); coding-DNA position 4753, A replaced by G.
Protein change: p.Thr1585Ala; replaces threonine 1585 with alanine.
Molecular consequence: missense variant.
Genome position (GRCh38, 1-based): chr3:58,136,060, A>G. VCF-style: chr3-58136060-A-G. GRCh37 (hg19) VCF-style: chr3-58121787-A-G.
Other names: c.4846A>G, p.Thr1616Ala (NM_001164317.2); c.4753A>G, p.Thr1585Ala (NM_001164318.2, NM_001164319.2); short protein forms T1585A, T1616A.
Identifiers: ClinVar variation 5006681 (VCV005006681.2).

ClinVar aggregate classification (germline): Uncertain significance (1 of 4 stars; one submission).

Conditions:
Spondylocarpotarsal synostosis syndrome (SCT). Also called: SPONDYLOCARPOTARSAL SYNDROME; VERTEBRAL FUSION WITH CARPAL COALITION; Spondylocarpotarsal Synostosis Syndrome (FLNB-SCT); Synspondylism congenital; Scoliosis, congenital with unilateral unsegmented bar. Identifiers: Orphanet 3275, MedGen C1848934, MONDO:0010094, OMIM 272460.
Boomerang dysplasia. Identifiers: Orphanet 1263, MedGen C0432201, MONDO:0007208, OMIM 112310.
Atelosteogenesis type I. Also called: SPONDYLOHUMEROFEMORAL HYPOPLASIA; GIANT CELL CHONDRODYSPLASIA; Atelosteogenesis Type 1 (FLNB-AO1). Identifiers: Orphanet 1190, MedGen C0265283, MONDO:0007167, OMIM 108720.
Atelosteogenesis type III. Also called: Atelosteogenesis Type 3 (FLNB-AO3). Identifiers: Orphanet 56305, MedGen C3668942, MONDO:0007168, OMIM 108721.
Larsen syndrome (LRS). Also called: Larsen syndrome (FLNB-LS); Bilateral dislocation of the knees, pes cavus, cylindrically shaped fingers and characteristic facies. Identifiers: Orphanet 503, MedGen C0175778, MONDO:0007875, OMIM 150250. Disease mechanism: loss of function.

Submission:

Juno Genomics, Hangzhou Juno Genomics, Inc
Classification: Uncertain significance for Spondylocarpotarsal synostosis syndrome; Atelosteogenesis type I; Atelosteogenesis type III; Boomerang dysplasia; Larsen syndrome. Review status: criteria provided, single submitter. Criteria: ACMG Guidelines, 2015. Collection method: clinical testing. Allele origin: germline.
Comment: Absent from controls (or at extremely low frequency if recessive) in Genome Aggregation Database.